The following is an entry in ClinVar:

NM_000083.2(CLCN1):c.-135T>G

Gene: CLCN1 (chloride voltage-gated channel 1; plus strand). Cytogenetic location: 7q34.
Variant type: single nucleotide variant.
Coding change: c.-135T>G on transcript NM_000083.2; 135 bases upstream of the start codon, T replaced by G.
Genome position (GRCh38, 1-based): chr7:143,316,078, T>G. VCF-style: chr7-143316078-T-G. GRCh37 (hg19) VCF-style: chr7-143013171-T-G.
Identifiers: ClinVar variation 679149 (VCV000679149.4), dbSNP rs6464541, ClinGen allele CA4536757.

ClinVar aggregate classification (germline): Benign. Review status: criteria provided, multiple submitters, no conflicts (2 of 4 stars). 2 submissions from 2 submitters: Benign (2). Last evaluated 2018-06-14.

Allele frequency attached by ClinVar (database versions not stated): ExAC 0.33977; TOPMed 0.40948; 1000 Genomes Project 0.35623; 1000 Genomes Project 30x 0.36477; gnomAD 0.40122 and 0.39068; gnomAD exomes 0.29552 and 0.29941.

Submissions (2):

GeneDx
Classification: Benign. Last evaluated: 2018-06-14. Review status: criteria provided, single submitter. Criteria: GeneDx Variant Classification (06012015). Collection method: clinical testing. Allele origin: germline. Affected: yes.
Comment: This variant is considered likely benign or benign based on one or more of the following criteria: it is a conservative change, it occurs at a poorly conserved position in the protein, it is predicted to be benign by multiple in silico algorithms, and/or has population frequency not consistent with disease.

Breakthrough Genomics
Classification: Benign. Review status: criteria provided, single submitter. Criteria: ACMG Guidelines, 2015. Collection method: not provided. Allele origin: germline. Inheritance: Autosomal recessive inheritance. Affected: yes.